The following is an entry in ClinVar:

ClinVar aggregate classification (germline): Uncertain significance (1 of 4 stars; one submission).

gnomAD v4.1: 13 of 1,611,038 alleles (0.00081%); highest among the groups gnomAD compares: East Asian, 0.029%; no homozygotes.

Submission:

GeneDx
Classification: Uncertain significance. Last evaluated: 2025-06-04. Review status: criteria provided, single submitter. Criteria: GeneDx Variant Classification Process June 2021. Collection method: clinical testing. Allele origin: germline. Affected: yes.
Comment: In silico analysis supports that this missense variant has a deleterious effect on protein structure/function; Has not been previously published as pathogenic or benign to our knowledge

NM_000789.4(ACE):c.1916G>T (p.Gly639Val)

Gene: ACE (angiotensin I converting enzyme; plus strand). Cytogenetic location: 17q23.3.
Variant type: single nucleotide variant.
Coding change: c.1916G>T on transcript NM_000789.4 (MANE Select); coding-DNA position 1916, G replaced by T.
Protein change: p.Gly639Val; replaces glycine 639 with valine.
Molecular consequence: missense variant.
Genome position (GRCh38, 1-based): chr17:63,484,536, G>T. VCF-style: chr17-63484536-G-T. GRCh37 (hg19) VCF-style: chr17-61561897-G-T.
Other names: c.1349G>T, p.Gly450Val (NM_001382700.1); c.1064G>T, p.Gly355Val (NM_001382701.1); short protein forms G355V, G450V, G639V.
Identifiers: ClinVar variation 4536402 (VCV004536402.1).